The following is an entry in ClinVar:

NM_000089.4(COL1A2):c.936+14C>T

Gene: COL1A2 (collagen type I alpha 2 chain; plus strand). Cytogenetic location: 7q21.3.
Variant type: single nucleotide variant.
Coding change: c.936+14C>T on transcript NM_000089.4 (MANE Select); 14 bases into the intron after coding-DNA position 936, C replaced by T.
Molecular consequence: intron variant.
Genome position (GRCh38, 1-based): chr7:94,409,622, C>T. VCF-style: chr7-94409622-C-T. GRCh37 (hg19) VCF-style: chr7-94038934-C-T.
Identifiers: ClinVar variation 254957 (VCV000254957.39), dbSNP rs42518, ClinGen allele CA4346874.

ClinVar aggregate classification (germline): Benign. Review status: criteria provided, multiple submitters, no conflicts (2 of 4 stars). 16 submissions from 12 submitters: Benign (13). 3 of the submissions do not count toward it. Last evaluated 2026-02-04.

Conditions:
Osteogenesis imperfecta type I (OI1). Also called: OI, TYPE I; OSTEOGENESIS IMPERFECTA TARDA; OSTEOGENESIS IMPERFECTA WITH BLUE SCLERAE; Osteogenesis imperfecta type 1; Lobstein's Disease; Lobstein disease. Identifiers: Orphanet 216796, Orphanet 666, MedGen C0023931, MONDO:0008146, OMIM 166200. Disease mechanism: loss of function.
Ehlers-Danlos syndrome, classic type, 1 (EDSCL1). Also called: Ehlers-Danlos Syndrome, Classic Type, COL5A1-Related; EHLERS-DANLOS SYNDROME, GRAVIS TYPE; EHLERS-DANLOS SYNDROME, SEVERE CLASSIC TYPE; Ehlers-Danlos syndrome, type 1; EDS I. Identifiers: MedGen C0268335, MONDO:0019567, OMIM 130000.
Ehlers-Danlos syndrome, arthrochalasia type, 2. Also called: EHLERS-DANLOS SYNDROME, TYPE VIIB, AUTOSOMAL DOMINANT. Identifiers: MedGen CN293783, MONDO:0040501, OMIM 617821.
Osteogenesis imperfecta (OI). Identifiers: Orphanet 666, MedGen C0029434, MeSH D010013, MONDO:0019019.
Osteogenesis imperfecta with normal sclerae, dominant form (OI4). Also called: OSTEOGENESIS IMPERFECTA WITH NORMAL SCLERAE; OSTEOGENESIS IMPERFECTA, TYPE IV, WITH DENTINOGENESIS IMPERFECTA; Osteogenesis Imperfecta Type IV; Osteogenesis imperfecta type 4; Common Variable Osteogenesis Imperfecta with Normal Sclerae. Identifiers: Orphanet 216820, Orphanet 666, MedGen C0268363, MONDO:0008148, OMIM 166220.
Osteogenesis imperfecta, perinatal lethal (OI2). Also called: Osteogenesis imperfecta type 2; OI, TYPE II; OSTEOGENESIS IMPERFECTA CONGENITA; OSTEOGENESIS IMPERFECTA, TYPE II; VROLIK TYPE OF OSTEOGENESIS IMPERFECTA; Osteogenesis imperfecta, dominant perinatal lethal. Identifiers: Orphanet 216804, MedGen C0268358, MONDO:0008147, OMIM 166210.
Osteogenesis imperfecta type III (OI3). Also called: Osteogenesis imperfecta type 3; OI type 3; Osteogenesis imperfecta, progressively deforming with normal sclerae; OI type III; Progressively Deforming Osteogenesis Imperfecta. Identifiers: Orphanet 216812, Orphanet 666, MedGen C0268362, MONDO:0009804, OMIM 259420.

Allele frequency attached by ClinVar (database versions not stated): gnomAD exomes 0.77483 and 0.78238; ExAC 0.78155; ESP Exome Variant Server 0.80993; gnomAD 0.81290 and 0.81710; TOPMed 0.82070; 1000 Genomes Project 0.82808; 1000 Genomes Project 30x 0.83042.
gnomAD v4.1: 1,255,445 of 1,613,822 alleles (78%); highest among the groups gnomAD compares: East Asian, 94%; 490,916 homozygotes.

Submissions (16):

Labcorp Genetics (formerly Invitae), Labcorp
Classification: Benign for Osteogenesis imperfecta type I; Ehlers-Danlos syndrome, classic type, 1. Last evaluated: 2026-02-04. Review status: criteria provided, single submitter. Criteria: Invitae Variant Classification Sherloc (09022015). Collection method: clinical testing. Allele origin: germline.

ARUP Laboratories, Molecular Genetics and Genomics, ARUP Laboratories
Classification: Benign. Last evaluated: 2025-07-29. Review status: criteria provided, single submitter. Criteria: ARUP Molecular Germline Variant Investigation Process 2024. Collection method: clinical testing. Allele origin: germline.

Blueprint Genetics
Classification: Benign. Last evaluated: 2024-11-27. Review status: criteria provided, single submitter. Criteria: ACMG Guidelines, 2015. Collection method: clinical testing. Allele origin: germline.

Genome-Nilou Lab
Classification: Benign for Ehlers-Danlos syndrome, arthrochalasia type, 2. Last evaluated: 2021-07-22. Review status: criteria provided, single submitter. Criteria: ACMG Guidelines, 2015. Collection method: clinical testing. Allele origin: germline. Affected: no.

Genome-Nilou Lab
Classification: Benign for Osteogenesis imperfecta, perinatal lethal. Last evaluated: 2021-07-22. Review status: criteria provided, single submitter. Criteria: ACMG Guidelines, 2015. Collection method: clinical testing. Allele origin: germline. Affected: no.

Genome-Nilou Lab
Classification: Benign for Osteogenesis imperfecta type III. Last evaluated: 2021-07-22. Review status: criteria provided, single submitter. Criteria: ACMG Guidelines, 2015. Collection method: clinical testing. Allele origin: germline. Affected: no.

Genome-Nilou Lab
Classification: Benign for Osteogenesis imperfecta with normal sclerae, dominant form. Last evaluated: 2021-07-22. Review status: criteria provided, single submitter. Criteria: ACMG Guidelines, 2015. Collection method: clinical testing. Allele origin: germline. Affected: no.

Illumina Laboratory Services, Illumina
Classification: Benign for Osteogenesis imperfecta. Last evaluated: 2018-01-13. Review status: criteria provided, single submitter. Criteria: ICSL Variant Classification Criteria 13 December 2019. Collection method: clinical testing. Allele origin: germline.
Comment: This variant was observed in the ICSL laboratory as part of a predisposition screen in an ostensibly healthy population. It had not been previously curated by ICSL or reported in the Human Gene Mutation Database (HGMD: prior to June 1st, 2018), and was therefore a candidate for classification through an automated scoring system. Utilizing variant allele frequency, disease prevalence and penetrance estimates, and inheritance mode, an automated score was calculated to assess if this variant is too frequent to cause the disease. Based on the score and internal cut-off values, a variant classified as benign is not then subjected to further curation. The score for this variant resulted in a classification of benign for this disease.

Illumina Laboratory Services, Illumina
Classification: Benign for Ehlers-Danlos syndrome, arthrochalasia type, 2. Last evaluated: 2018-01-13. Review status: criteria provided, single submitter. Criteria: ICSL Variant Classification Criteria 13 December 2019. Collection method: clinical testing. Allele origin: germline.
Comment: the same text as in the submission from Illumina Laboratory Services, Illumina above.

Athena Diagnostics
Classification: Benign. Last evaluated: 2017-07-26. Review status: criteria provided, single submitter. Criteria: Athena Diagnostics Criteria. Collection method: clinical testing. Allele origin: germline.

GeneDx
Classification: Benign. Last evaluated: 2016-03-03. Review status: criteria provided, single submitter. Criteria: GeneDx Variant Classification (06012015). Collection method: clinical testing. Allele origin: germline. Affected: yes.
Comment: This variant is considered likely benign or benign based on one or more of the following criteria: it is a conservative change, it occurs at a poorly conserved position in the protein, it is predicted to be benign by multiple in silico algorithms, and/or has population frequency not consistent with disease.

Breakthrough Genomics
Classification: Benign. Review status: criteria provided, single submitter. Criteria: ACMG Guidelines, 2015. Collection method: not provided. Allele origin: germline. Inheritance: Autosomal recessive inheritance. Affected: yes.

PreventionGenetics, part of Exact Sciences
Classification: Benign. Review status: criteria provided, single submitter. Criteria: ACMG Guidelines, 2015. Collection method: clinical testing. Allele origin: germline.

Diagnostic Laboratory, Department of Genetics, University Medical Center Groningen
Classification: Benign. Review status: no assertion criteria provided. Collection method: clinical testing. Allele origin: germline. Affected: yes. Study: VKGL Data-share Consensus. Not counted in ClinVar's aggregate classification.

Genome Diagnostics Laboratory, Amsterdam University Medical Center
Classification: Benign. Review status: no assertion criteria provided. Collection method: clinical testing. Allele origin: germline. Affected: yes. Study: VKGL Data-share Consensus. Not counted in ClinVar's aggregate classification.

Joint Genome Diagnostic Labs from Nijmegen and Maastricht, Radboudumc and MUMC+
Classification: Benign. Review status: no assertion criteria provided. Collection method: clinical testing. Allele origin: germline. Affected: yes. Study: VKGL Data-share Consensus. Not counted in ClinVar's aggregate classification.